The following is an entry in ClinVar:

NM_025137.4(SPG11):c.1818_1819del (p.Ser607fs)

Gene: SPG11 (SPG11 vesicle trafficking associated, spatacsin; minus strand). Cytogenetic location: 15q21.1.
Variant type: Deletion.
Coding change: c.1818_1819del on transcript NM_025137.4 (MANE Select); coding-DNA positions 1818 to 1819, 2 bases deleted (TT; older notation c.1818_1819delTT).
Protein change: p.Ser607fs; shifts the reading frame from serine 607.
Molecular consequence: frameshift variant.
Genome position (GRCh38, 1-based): chr15:44,629,305-44,629,306, AA deleted on the plus strand (TT on the coding strand, the reverse complement: SPG11 is on the minus strand); deleting any 2 consecutive bases within chr15:44,629,305-44,629,308 gives the same sequence; the c. name uses the placement nearest the transcript's 3' end. VCF-style (leftmost placement, unchanged base first): chr15-44629304-GAA-G. GRCh37 (hg19) VCF-style: chr15-44921502-GAA-G.
Other names: c.1818_1819del, p.Ser607fs (NM_001160227.2); short protein forms S607fs.
Identifiers: ClinVar variation 648623 (VCV000648623.41), dbSNP rs1220982145, ClinGen allele CA915946570.
Genomic context (GRCh38, chr15:44,629,304, plus strand): 5'-ATGAAAAGCTCCTTTATTTGGTTGTTAAGGAAAGACAGTGTAAGATTAAGCAATTGTTCT[GAA>G]AAGTGTTTGCTTTGGGGTTCAGAATAACTTTCTCTAATTGCCGAGCAAAGTAAATCCAAT-3'

ClinVar aggregate classification (germline): Pathogenic. Review status: criteria provided, multiple submitters, no conflicts (2 of 4 stars). 5 submissions from 5 submitters: Pathogenic (4). 1 of the submissions does not count toward it. Last evaluated 2022-06-01.

Conditions:
Hereditary spastic paraplegia 11. Also called: SPASTIC PARAPLEGIA, AUTOSOMAL RECESSIVE, COMPLICATED, WITH THIN CORPUS CALLOSUM; SPASTIC PARAPLEGIA, AUTOSOMAL RECESSIVE, WITH MENTAL IMPAIRMENT AND THIN CORPUS CALLOSUM; Spastic Paraplegia 11; Spastic paraplegia, mental retardation and thin corpus callosum; Nakamura Osame syndrome; Autosomal recessive hereditary spastic paraplegia, mental impairment, and thin corpus callosum. Identifiers: Orphanet 2822, MedGen C1858479, MONDO:0011445, OMIM 604360.
Charcot-Marie-Tooth disease axonal type 2X. Also called: CHARCOT-MARIE-TOOTH DISEASE, AXONAL, AUTOSOMAL RECESSIVE, TYPE 2X; CHARCOT-MARIE-TOOTH NEUROPATHY, TYPE 2X. Identifiers: Orphanet 466775, MedGen C5569024, MONDO:0014726, OMIM 616668.

Submissions (5):

CeGaT Center for Human Genetics Tuebingen
Classification: Pathogenic. Last evaluated: 2022-06-01. Review status: criteria provided, single submitter. Criteria: CeGaT Center For Human Genetics Tuebingen Variant Classification Criteria Version 2. Collection method: clinical testing. Allele origin: germline. Affected: yes. Observed: 1 variant allele.
Comment: SPG11: PVS1, PM2

Institute of Medical Genetics and Applied Genomics, University Hospital Tübingen
Classification: Pathogenic. Last evaluated: 2020-10-23. Review status: criteria provided, single submitter. Criteria: ACMG Guidelines, 2015. Collection method: clinical testing. Allele origin: germline. Inheritance: Unknown mechanism. Affected: yes.

Labcorp Genetics (formerly Invitae), Labcorp
Classification: Pathogenic for Hereditary spastic paraplegia 11. Last evaluated: 2018-12-03. Review status: criteria provided, single submitter. Criteria: Invitae Variant Classification Sherloc (09022015). Collection method: clinical testing. Allele origin: germline.
Comment: Loss-of-function variants in SPG11 are known to be pathogenic (PMID: 19105190, 20110243, 22154821, 26556829). This variant has not been reported in the literature in individuals with SPG11-related conditions. This variant is not present in population databases (ExAC no frequency). This sequence change creates a premature translational stop signal (p.Ser607Argfs*5) in the SPG11 gene. It is expected to result in an absent or disrupted protein product. For these reasons, this variant has been classified as Pathogenic.

Genome-Nilou Lab
Classification: Pathogenic for Hereditary spastic paraplegia 11. Review status: criteria provided, single submitter. Criteria: ACMG Guidelines, 2015. Collection method: clinical testing. Allele origin: germline.

Solve-RD Consortium
Classification: Likely pathogenic for Charcot-Marie-Tooth disease axonal type 2X. Last evaluated: 2022-06-01. Review status: no assertion criteria provided. Collection method: provider interpretation. Allele origin: inherited. Affected: yes. Not counted in ClinVar's aggregate classification.
Comment: Variant confirmed as disease-causing by referring clinical team

Variant identified during reanalysis of unsolved cases by the Solve-RD project. The Solve-RD project has received funding from the European Union’s Horizon 2020 research and innovation programme under grant agreement No 779257.

Literature cited by the submitters: PubMed 19105190 (cited by Labcorp Genetics (formerly Invitae), Labcorp); PubMed 20110243 (cited by Labcorp Genetics (formerly Invitae), Labcorp); PubMed 22154821 (cited by Labcorp Genetics (formerly Invitae), Labcorp); PubMed 26556829 (cited by Labcorp Genetics (formerly Invitae), Labcorp); PubMed 39825153 (cited by Solve-RD Consortium).